The following is an entry in ClinVar:

NM_004371.4(COPA):c.527C>T (p.Ala176Val)

Gene: COPA (coat protein complex I subunit alpha; minus strand). Cytogenetic location: 1q23.2.
Variant type: single nucleotide variant.
Coding change: c.527C>T on transcript NM_004371.4 (MANE Select); coding-DNA position 527, C replaced by T.
Protein change: p.Ala176Val; replaces alanine 176 with valine.
Molecular consequence: missense variant.
Genome position (GRCh38, 1-based): chr1:160,325,622, G>A on the plus strand (C>T on the coding strand, the complement: COPA is on the minus strand). VCF-style: chr1-160325622-G-A. GRCh37 (hg19) VCF-style: chr1-160295412-G-A.
Other names: c.527C>T, p.Ala176Val (NM_001098398.2); short protein forms A176V.
Identifiers: ClinVar variation 2739337 (VCV002739337.4), dbSNP rs375464084, ClinGen allele CA1198346.
Genomic context (GRCh38, chr1:160,325,622, plus strand): 5'-ACTGCATCTGTAGTTCCAAATAGATCAACCCCAGTTATTCCTCTCACATCCGATTCCACC[G>A]CACCAGGGGACAGGTTTTTTTTCCTCAGACCTTTGAAGGGATAAGGAGTGGGATGAAAGA-3'
Protein context (NP_004362.2, residues 166-186): GLRKKNLSPG[Ala176Val]VESDVRGITG

ClinVar aggregate classification (germline): Uncertain significance. Review status: criteria provided, multiple submitters, no conflicts (2 of 4 stars). 2 submissions from 2 submitters: Uncertain significance (2). Last evaluated 2025-11-11.

Conditions:
Systemic lupus erythematosus, susceptibility to, 1. Also called: Systemic lupus erythematosus 1. Identifiers: MedGen C1866373, MONDO:0011138, OMIM 601744.
Autoimmune interstitial lung disease-arthritis syndrome. Also called: Autoinflammation and autoimmunity, systemic, with immune dysregulation. Identifiers: Orphanet 444092, MedGen C5975714, MONDO:0014629.

Allele frequency attached by ClinVar (database versions not stated): gnomAD exomes below 0.00001; ExAC 0.00001; gnomAD 0.00002; TOPMed 0.00002; ESP Exome Variant Server 0.00008.
gnomAD v4.1: 9 of 1,613,990 alleles (0.00056%); highest among the groups gnomAD compares: African/African-American, 0.0027%; no homozygotes.

Submissions (2):

Labcorp Genetics (formerly Invitae), Labcorp
Classification: Uncertain significance for Autoimmune interstitial lung disease-arthritis syndrome. Last evaluated: 2025-11-11. Review status: criteria provided, single submitter. Criteria: Invitae Variant Classification Sherloc (09022015). Collection method: clinical testing. Allele origin: germline.
Comment: This sequence change replaces alanine, which is neutral and non-polar, with valine, which is neutral and non-polar, at codon 176 of the COPA protein (p.Ala176Val). This variant is present in population databases (rs375464084, gnomAD 0.0009%). This variant has not been reported in the literature in individuals affected with COPA-related conditions. ClinVar contains an entry for this variant (Variation ID: 2739337). Invitae Evidence Modeling of protein sequence and biophysical properties (such as structural, functional, and spatial information, amino acid conservation, physicochemical variation, residue mobility, and thermodynamic stability) indicates that this missense variant is not expected to disrupt COPA protein function with a negative predictive value of 80%. In summary, the available evidence is currently insufficient to determine the role of this variant in disease. Therefore, it has been classified as a Variant of Uncertain Significance.

Neuberg Centre For Genomic Medicine, NCGM
Classification: Uncertain significance for Systemic lupus erythematosus, susceptibility to, 1. Last evaluated: 2024-02-01. Review status: criteria provided, single submitter. Criteria: ACMG Guidelines, 2015. Collection method: clinical testing. Allele origin: germline. Inheritance: Autosomal dominant inheritance. Affected: yes.
Comment: The missense c.527C>T (p.Ala176Val) variant in COPA gene has not been reported previously as a pathogenic variant nor as a benign variant, to our knowledge. The p.Ala176Val variant is present with allele frequency of 0.0004% in gnomAD Exomes. This variant has been submitted to the ClinVar database as Uncertain Significance. Multiple lines of computational evidence (Polyphen - Possibly Damaging, SIFT - Tolerated and MutationTaster - Disease causing) predict conflicting evidence on protein structure and function for this variant. The reference amino acid at this position on COPA is predicted as conserved by GERP++ and PhyloP across 100 vertebrates. The amino acid Ala at position 176 is changed to a Val changing protein sequence and it might alter its composition and physico-chemical properties. For these reasons, this variant has been classified as a Variant of Uncertain Significance (VUS)., The missense c.824C>T (p.Thr275Met) variant in PTPN22 gene has not been reported previously as a pathogenic variant nor as a benign variant, to our knowledge. The p.Thr275Met variant is present with allele frequency of 0.0008% in gnomAD Exomes. This variant has not been submitted to the ClinVar database. Multiple lines of computational evidence (Polyphen - Probably Damaging, SIFT - Damaging and MutationTaster - Disease causing) predict a damaging effect on protein structure and function for this variant. The reference amino acid at this position on PTPN22 is predicted as conserved by GERP++ and PhyloP across 100 vertebrates. The amino acid Thr at position 275 is changed to a Met changing protein sequence and it might alter its composition and physico-chemical properties. For these reasons, this variant has been classified as a Variant of Uncertain Significance (VUS).